The following is an entry in ClinVar:

NM_015046.7(SETX):c.5453T>C (p.Ile1818Thr)

Gene: SETX (senataxin; minus strand). Cytogenetic location: 9q34.13.
Variant type: single nucleotide variant.
Coding change: c.5453T>C on transcript NM_015046.7 (MANE Select); coding-DNA position 5453, T replaced by C.
Protein change: p.Ile1818Thr; replaces isoleucine 1818 with threonine.
Molecular consequence: missense variant.
Genome position (GRCh38, 1-based): chr9:132,300,725, A>G on the plus strand (T>C on the coding strand, the complement: SETX is on the minus strand). VCF-style: chr9-132300725-A-G. GRCh37 (hg19) VCF-style: chr9-135176112-A-G.
Other names: c.5453T>C, p.Ile1818Thr (NM_001351527.2, NM_001351528.2); short protein forms I1818T.
Identifiers: ClinVar variation 2924778 (VCV002924778.3), dbSNP rs2538980712, ClinGen allele CA375348065.
Genomic context (GRCh38, chr9:132,300,725, plus strand): 5'-GAATGATATTCGTGGAGATCTTGTATGTCATTTCTCTCTGTATCTTTCTTCTCTTCATTT[A>G]TTCTCTCAGGAGCTAAAAACACCAAATCGTTTTCCTTTGGATAAAGCTGTTTAGCCAGTT-3'
Protein context (NP_055861.3, residues 1808-1828): NDLVFLAPER[Ile1818Thr]NEEKKDTERN

ClinVar aggregate classification (germline): Uncertain significance (1 of 4 stars; one submission).

Conditions:
Amyotrophic lateral sclerosis type 4 (ALS4). Also called: AMYOTROPHIC LATERAL SCLEROSIS 4, JUVENILE; NEURONOPATHY, DISTAL HEREDITARY MOTOR, WITH PYRAMIDAL FEATURES. Identifiers: Orphanet 357043, MedGen C1865409, MONDO:0011223, OMIM 602433.
Spinocerebellar ataxia, autosomal recessive, with axonal neuropathy 2 (SCAN2). Also called: ATAXIA-OCULOMOTOR APRAXIA 2; Ataxia with Oculomotor Apraxia Type 2; Ataxia-ocular apraxia-2; Ataxia with Oculomotor Apraxia. Identifiers: Orphanet 64753, MedGen C1853761, MONDO:0018996, OMIM 606002.

Allele frequency attached by ClinVar (database versions not stated): gnomAD exomes below 0.00001.
gnomAD v4.1: 2 of 1,613,702 alleles (0.00012%); highest among the groups gnomAD compares: Non-Finnish European, 0.000085%; no homozygotes.

Submission:

Labcorp Genetics (formerly Invitae), Labcorp
Classification: Uncertain significance for Amyotrophic lateral sclerosis type 4; Spinocerebellar ataxia, autosomal recessive, with axonal neuropathy 2. Last evaluated: 2023-05-22. Review status: criteria provided, single submitter. Criteria: Invitae Variant Classification Sherloc (09022015). Collection method: clinical testing. Allele origin: germline.
Comment: In summary, the available evidence is currently insufficient to determine the role of this variant in disease. Therefore, it has been classified as a Variant of Uncertain Significance. Advanced modeling of protein sequence and biophysical properties (such as structural, functional, and spatial information, amino acid conservation, physicochemical variation, residue mobility, and thermodynamic stability) performed at Invitae indicates that this missense variant is not expected to disrupt SETX protein function. This variant has not been reported in the literature in individuals affected with SETX-related conditions. This variant is not present in population databases (gnomAD no frequency). This sequence change replaces isoleucine, which is neutral and non-polar, with threonine, which is neutral and polar, at codon 1818 of the SETX protein (p.Ile1818Thr).